The following is an entry in ClinVar:

ClinVar aggregate classification (germline): Uncertain significance (1 of 4 stars; one submission).

Conditions:
Distal myopathy with posterior leg and anterior hand involvement. Also called: WILLIAMS DISTAL MYOPATHY. Identifiers: Orphanet 63273, MedGen C3279722, MONDO:0013550, OMIM 614065.
Hypertrophic cardiomyopathy 26. Also called: Cardiomyopathy, familial hypertrophic, 26. Identifiers: Orphanet 75249, MedGen C4310749, MONDO:0014883, OMIM 617047.
Myofibrillar myopathy 5. Also called: Filaminopathy (type); FILAMINOPATHY, AUTOSOMAL DOMINANT. Identifiers: Orphanet 171445, MedGen C1836050, MONDO:0012289, OMIM 609524.

gnomAD v4.1: 1 of 1,613,806 alleles (0.000062%); highest among the groups gnomAD compares: Non-Finnish European, 0.000085%; no homozygotes.

Submission:

Labcorp Genetics (formerly Invitae), Labcorp
Classification: Uncertain significance for Distal myopathy with posterior leg and anterior hand involvement; Myofibrillar myopathy 5; Hypertrophic cardiomyopathy 26. Last evaluated: 2025-06-29. Review status: criteria provided, single submitter. Criteria: Invitae Variant Classification Sherloc (09022015). Collection method: clinical testing. Allele origin: germline.
Comment: This sequence change replaces proline, which is neutral and non-polar, with serine, which is neutral and polar, at codon 516 of the FLNC protein (p.Pro516Ser). This variant is not present in population databases (gnomAD no frequency). This variant has not been reported in the literature in individuals affected with FLNC-related conditions. ClinVar contains an entry for this variant (Variation ID: 3749987). Invitae Evidence Modeling of protein sequence and biophysical properties (such as structural, functional, and spatial information, amino acid conservation, physicochemical variation, residue mobility, and thermodynamic stability) has been performed for this missense variant. However, the output from this modeling did not meet the statistical confidence thresholds required to predict the impact of this variant on FLNC protein function. In summary, the available evidence is currently insufficient to determine the role of this variant in disease. Therefore, it has been classified as a Variant of Uncertain Significance.

NM_001458.5(FLNC):c.1546C>T (p.Pro516Ser)

Gene: FLNC (filamin C; plus strand). Cytogenetic location: 7q32.1.
Variant type: single nucleotide variant.
Coding change: c.1546C>T on transcript NM_001458.5 (MANE Select); coding-DNA position 1546, C replaced by T.
Protein change: p.Pro516Ser; replaces proline 516 with serine.
Molecular consequence: missense variant.
Genome position (GRCh38, 1-based): chr7:128,840,157, C>T. VCF-style: chr7-128840157-C-T. GRCh37 (hg19) VCF-style: chr7-128480211-C-T.
Other names: c.1546C>T, p.Pro516Ser (NM_001127487.2); short protein forms P516S.
Identifiers: ClinVar variation 3749987 (VCV003749987.2).
Genomic context (GRCh38, chr7:128,840,157, plus strand): 5'-GACTTCAAGGTGTTTACCAAGGGTGCCGGCAGCGGGGAGCTCAAGGTCACGGTCAAGGGG[C>T]CAAGTGAGTGCCAGAGCCCAGGGTCGTGAGGGTGGGGCTGGGGGATCATAAGGGAAGTAT-3'
Protein context (NP_001449.3, residues 506-526): SGELKVTVKG[Pro516Ser]KGTEEPVKVR